The following is an entry in ClinVar:

ClinVar aggregate classification (germline): Uncertain significance (1 of 4 stars; one submission).

Conditions:
Inborn genetic diseases. Identifiers: MedGen C0950123, MeSH D030342.

Submission:

Ambry Genetics
Classification: Uncertain significance for Inborn genetic diseases. Last evaluated: 2026-02-25. Review status: criteria provided, single submitter. Criteria: Ambry Variant Classification Scheme 2023. Collection method: clinical testing. Allele origin: germline.
Comment: The p.A651T variant (also known as c.1951G>A), located in coding exon 1 of the SAMD9 gene, results from a G to A substitution at nucleotide position 1951. The alanine at codon 651 is replaced by threonine, an amino acid with similar properties. This amino acid position is conserved. In addition, this alteration is predicted to be tolerated by in silico analysis. Based on the available evidence, the clinical significance of this variant remains unclear.

NM_017654.4(SAMD9):c.1951G>A (p.Ala651Thr)

Gene: SAMD9 (sterile alpha motif domain containing 9; minus strand). Cytogenetic location: 7q21.2.
Variant type: single nucleotide variant.
Coding change: c.1951G>A on transcript NM_017654.4 (MANE Select); coding-DNA position 1951, G replaced by A.
Protein change: p.Ala651Thr; replaces alanine 651 with threonine.
Molecular consequence: missense variant.
Genome position (GRCh38, 1-based): chr7:93,104,147, C>T on the plus strand (G>A on the coding strand, the complement: SAMD9 is on the minus strand). VCF-style: chr7-93104147-C-T. GRCh37 (hg19) VCF-style: chr7-92733460-C-T.
Other names: c.1951G>A, p.Ala651Thr (NM_001193307.2); short protein forms A651T.
Identifiers: ClinVar variation 4827004 (VCV004827004.1).